The following is an entry in ClinVar:

NM_005228.5(EGFR):c.3245T>C (p.Ile1082Thr)

Gene: EGFR (epidermal growth factor receptor; plus strand). Cytogenetic location: 7p11.2.
Variant type: single nucleotide variant.
Coding change: c.3245T>C on transcript NM_005228.5 (MANE Select); coding-DNA position 3245, T replaced by C.
Protein change: p.Ile1082Thr; replaces isoleucine 1082 with threonine.
Molecular consequence: missense variant.
Genome position (GRCh38, 1-based): chr7:55,202,599, T>C. VCF-style: chr7-55202599-T-C. GRCh37 (hg19) VCF-style: chr7-55270292-T-C.
Other names: c.3110T>C, p.Ile1037Thr (NM_001346897.2, NM_001346899.2); c.3245T>C, p.Ile1082Thr (NM_001346898.2); c.3086T>C, p.Ile1029Thr (NM_001346900.2); c.2444T>C, p.Ile815Thr (NM_001346941.2); short protein forms I815T, I1029T, I1037T, I1082T.
Identifiers: ClinVar variation 3695080 (VCV003695080.9).

ClinVar aggregate classification (germline): Uncertain significance. Review status: criteria provided, multiple submitters, no conflicts (2 of 4 stars). 3 submissions from 3 submitters: Uncertain significance (3). Last evaluated 2026-09-09.

Conditions:
EGFR-related lung cancer (EGFR). Identifiers: MedGen CN130014.
Hereditary cancer-predisposing syndrome. Also called: Hereditary Cancer Syndrome; Hereditary neoplastic syndrome; Neoplastic Syndromes, Hereditary; Tumor predisposition. Identifiers: Orphanet 140162, MedGen C0027672, MeSH D009386, MONDO:0015356.

Submissions (3):

Ambry Genetics
Classification: Uncertain significance for Hereditary cancer-predisposing syndrome. Last evaluated: 2026-09-09. Review status: criteria provided, single submitter. Criteria: Ambry Variant Classification Scheme 2023. Collection method: clinical testing. Allele origin: germline.
Comment: The p.I1082T variant (also known as c.3245T>C), located in coding exon 27 of the EGFR gene, results from a T to C substitution at nucleotide position 3245. The isoleucine at codon 1082 is replaced by threonine, an amino acid with similar properties. This amino acid position is conserved. In addition, this alteration is predicted to be tolerated by in silico analysis. Based on the available evidence, the clinical significance of this variant remains unclear.

CeGaT Center for Human Genetics Tuebingen
Classification: Uncertain significance. Last evaluated: 2025-11-01. Review status: criteria provided, single submitter. Criteria: CeGaT Center For Human Genetics Tuebingen Variant Classification Criteria Version 2. Collection method: clinical testing. Allele origin: germline. Affected: yes. Observed: 1 variant allele.
Comment: EGFR: PM2, BP4

Labcorp Genetics (formerly Invitae), Labcorp
Classification: Uncertain significance for EGFR-related lung cancer. Last evaluated: 2024-02-01. Review status: criteria provided, single submitter. Criteria: Invitae Variant Classification Sherloc (09022015). Collection method: clinical testing. Allele origin: germline.
Comment: This sequence change replaces isoleucine, which is neutral and non-polar, with threonine, which is neutral and polar, at codon 1082 of the EGFR protein (p.Ile1082Thr). This variant is not present in population databases (gnomAD no frequency). This variant has not been reported in the literature in individuals affected with EGFR-related conditions. An algorithm developed to predict the effect of missense changes on protein structure and function (PolyPhen-2) suggests that this variant is likely to be tolerated. In summary, the available evidence is currently insufficient to determine the role of this variant in disease. Therefore, it has been classified as a Variant of Uncertain Significance.